The following is an entry in ClinVar:

NM_000257.4(MYH7):c.841A>G (p.Arg281Gly)

Gene: MYH7 (myosin heavy chain 7; minus strand). Cytogenetic location: 14q11.2.
Variant type: single nucleotide variant.
Coding change: c.841A>G on transcript NM_000257.4 (MANE Select); coding-DNA position 841, A replaced by G.
Protein change: p.Arg281Gly; replaces arginine 281 with glycine.
Molecular consequence: missense variant.
Genome position (GRCh38, 1-based): chr14:23,430,955, T>C on the plus strand (A>G on the coding strand, the complement: MYH7 is on the minus strand). VCF-style: chr14-23430955-T-C. GRCh37 (hg19) VCF-style: chr14-23900164-T-C.
Other names: c.841A>G, p.Arg281Gly (NM_001407004.1); short protein forms R281G.
Identifiers: ClinVar variation 4687888 (VCV004687888.1).

ClinVar aggregate classification (germline): Likely pathogenic (1 of 4 stars; one submission).

Conditions:
Hypertrophic cardiomyopathy 1 (CMH1). Also called: MYH7-Related Familial Hypertrophic Cardiomyopathy; Familial hypertrophic cardiomyopathy 1. Identifiers: MedGen C3495498, MONDO:0008647, OMIM 192600.
Dilated cardiomyopathy 1S (CMD1S). Identifiers: Orphanet 154, Orphanet 54260, MedGen C1834481, MONDO:0013262, OMIM 613426.

Submission:

Human Genetics Bochum, Ruhr University Bochum
Classification: Likely pathogenic for Dilated cardiomyopathy 1S; Hypertrophic cardiomyopathy 1. Last evaluated: 2024-04-24. Review status: criteria provided, single submitter. Criteria: ACMG Guidelines, 2015. Collection method: clinical testing. Allele origin: germline. Affected: yes.
Comment: ACMG criteria used to clasify this variant: PP3_STR, PM5, PM1_SUP, PM2_SUP, PP2